The following is an entry in ClinVar:

NM_021930.6(RINT1):c.182A>T (p.Glu61Val)

Gene: RINT1 (RAD50 interactor 1; plus strand). Cytogenetic location: 7q22.3.
Variant type: single nucleotide variant.
Coding change: c.182A>T on transcript NM_021930.6 (MANE Select); coding-DNA position 182, A replaced by T.
Protein change: p.Glu61Val; replaces glutamic acid 61 with valine.
Molecular consequence: missense variant. On other transcripts: 5 prime UTR variant (3), non-coding transcript variant (1), intron variant (1).
Genome position (GRCh38, 1-based): chr7:105,536,658, A>T. VCF-style: chr7-105536658-A-T. GRCh37 (hg19) VCF-style: chr7-105177105-A-T.
Other names: c.-838A>T (NM_001346600.2); c.-741A>T (NM_001346601.2); c.-361A>T (NM_001346603.2); c.39+46A>T (NM_001346599.2); short protein forms E61V.
Identifiers: ClinVar variation 3314432 (VCV003314432.1).

ClinVar aggregate classification (germline): Uncertain significance (1 of 4 stars; one submission).

Submission:

Ambry Genetics
Classification: Uncertain significance. Last evaluated: 2024-03-16. Review status: criteria provided, single submitter. Criteria: Ambry Variant Classification Scheme 2023. Collection method: clinical testing. Allele origin: germline.
Comment: The p.E61V variant (also known as c.182A>T), located in coding exon 3 of the RINT1 gene, results from an A to T substitution at nucleotide position 182. The glutamic acid at codon 61 is replaced by valine, an amino acid with dissimilar properties. This amino acid position is conserved. In addition, the in silico prediction for this alteration is inconclusive. Based on the available evidence, the clinical significance of this alteration remains unclear.